The following is an entry in ClinVar:

NM_017780.4(CHD7):c.1585C>T (p.Pro529Ser)

Gene: CHD7 (chromodomain helicase DNA binding protein 7; plus strand). Cytogenetic location: 8q12.2.
Variant type: single nucleotide variant.
Coding change: c.1585C>T on transcript NM_017780.4 (MANE Select); coding-DNA position 1585, C replaced by T.
Protein change: p.Pro529Ser; replaces proline 529 with serine.
Molecular consequence: missense variant.
Genome position (GRCh38, 1-based): chr8:60,743,017, C>T. VCF-style: chr8-60743017-C-T. GRCh37 (hg19) VCF-style: chr8-61655576-C-T.
Other names: c.1585C>T, p.Pro529Ser (NM_001316690.1); short protein forms P529S.
Identifiers: ClinVar variation 3368246 (VCV003368246.1).

ClinVar aggregate classification (germline): Uncertain significance (1 of 4 stars; one submission).

gnomAD v4.1: 4 of 1,613,962 alleles (0.00025%); highest among the groups gnomAD compares: East Asian, 0.0022%; no homozygotes.

Submission:

GeneDx
Classification: Uncertain significance. Last evaluated: 2024-01-30. Review status: criteria provided, single submitter. Criteria: GeneDx Variant Classification Process June 2021. Collection method: clinical testing. Allele origin: germline. Affected: yes.
Comment: Not observed at significant frequency in large population cohorts (gnomAD); In silico analysis supports that this missense variant does not alter protein structure/function; Has not been previously published as pathogenic or benign to our knowledge